The following is an entry in ClinVar:

ClinVar aggregate classification (germline): Uncertain significance (1 of 4 stars; one submission).

Conditions:
Hereditary cancer-predisposing syndrome. Also called: Neoplastic Syndromes, Hereditary; Tumor predisposition; Hereditary Cancer Syndrome; Hereditary neoplastic syndrome. Identifiers: Orphanet 140162, MedGen C0027672, MeSH D009386, MONDO:0015356.

Submission:

Ambry Genetics
Classification: Uncertain significance for Hereditary cancer-predisposing syndrome. Last evaluated: 2026-05-21. Review status: criteria provided, single submitter. Criteria: Ambry Variant Classification Scheme 2023. Collection method: clinical testing. Allele origin: germline.
Comment: The c.2196_2198delAGA variant (also known as p.E733del) is located in coding exon 13 of the DICER1 gene. This variant results from an in-frame AGA deletion at nucleotide positions 2196 to 2198. This results in the in-frame deletion of a glutamic acid at codon 733. This amino acid position is highly conserved in available vertebrate species. In addition, the in silico prediction for this variant is inconclusive (Choi Y et al. PLoS ONE. 2012; 7(10):e46688). Based on the available evidence, the clinical significance of this variant remains unclear.

NM_177438.3(DICER1):c.2193AGA[1] (p.Glu733del)

Gene: DICER1 (dicer 1, ribonuclease III; minus strand). Cytogenetic location: 14q32.13.
Variant type: Microsatellite.
Coding change: c.2193AGA[1] on transcript NM_177438.3 (MANE Select); one copy of the 3-base unit AGA starting at c.2193; the reference has two copies in a row; one copy, 3 bases deleted.
Protein change: p.Glu733del; deletes glutamic acid 733.
Molecular consequence: inframe deletion. On other transcripts: inframe indel (2), non-coding transcript variant (6).
Genome position (GRCh38, 1-based): chr14:95,111,375-95,111,377, TCT deleted on the plus strand (AGA on the coding strand, the reverse complement: DICER1 is on the minus strand); deleting any 3 consecutive bases within chr14:95,111,375-95,111,382 gives the same sequence; the position shown is the placement nearest the transcript's 3' end. VCF-style (leftmost placement, unchanged base first): chr14-95111374-CTCT-C. GRCh37 (hg19) VCF-style: chr14-95577711-CTCT-C.
Other names: c.2193AGA[1], p.Glu733del (NM_001195573.1, NM_001271282.3, NM_001291628.2 and 12 more transcripts); c.1911AGA[1], p.Glu639del (NM_001395686.1); c.1788AGA[1], p.Glu598del (NM_001395687.1, NM_001395688.1, NM_001395689.1 and 3 more transcripts); c.1626AGA[1], p.Glu544del (NM_001395691.1); c.2196_2198delAGA (NM_177438.2); c.510AGA[1], p.Glu172del (NM_001395697.1); c.2191_2193GAA[1], p.Glu733del (NM_177438.2); short protein forms E172del, E544del, E598del, E639del, E733del.
Identifiers: ClinVar variation 4869744 (VCV004869744.1).